The following is an entry in ClinVar:

ClinVar aggregate classification (germline): Pathogenic (1 of 4 stars; one submission).

Conditions:
Hereditary spastic paraplegia 4. Also called: Familial spastic paraplegia autosomal dominant 2; Spastic paraplegia 4, autosomal dominant; Spastic Paraplegia 4. Identifiers: Orphanet 100985, MedGen C1866855, MONDO:0008438, OMIM 182601.

Submission:

Labcorp Genetics (formerly Invitae), Labcorp
Classification: Pathogenic for Spastic paraplegia 4, autosomal dominant. Last evaluated: 2018-06-18. Review status: criteria provided, single submitter. Criteria: Invitae Variant Classification Sherloc (09022015). Collection method: clinical testing. Allele origin: germline.
Comment: This variant is a gross deletion of the genomic region encompassing exon 1 of the SPAST gene, which includes the initiator codon. The 5' end of this event is unknown as it extends beyond the assayed region for this gene and therefore may encompass additional genes. The 3' boundary is likely confined to intron 1 of the SPAST gene. This is expected to result in an absent or disrupted protein product. A similar deletion of exon 1 has been reported in individuals affected with hereditary spastic paraplegia and has been reported to segregate with disease in several affected families (PMID: 15637712, 17098887, 22203332, 24451228, 24824479) Loss-of-function variants in SPAST are known to be pathogenic (PMID: 20932283). For these reasons, this variant has been classified as Pathogenic.

Literature cited by the submitters: PubMed 24451228; PubMed 17098887; PubMed 24824479; PubMed 15637712; PubMed 22203332.

NC_000002.12:g.(?_32063812)_(32064266_?)del

Gene: SPAST (spastin; plus strand). Cytogenetic location: 2p22.3.
Variant type: Deletion.
Identifiers: ClinVar variation 583912 (VCV000583912.1).